The following is an entry in ClinVar:

ClinVar aggregate classification (germline): Uncertain significance (1 of 4 stars; one submission).

gnomAD v4.1: 6 of 1,606,398 alleles (0.00037%); highest among the groups gnomAD compares: African/African-American, 0.0053%; no homozygotes.

Submission:

GeneDx
Classification: Uncertain significance. Last evaluated: 2022-05-16. Review status: criteria provided, single submitter. Criteria: GeneDx Variant Classification Process June 2021. Collection method: clinical testing. Allele origin: germline. Affected: yes.
Comment: In silico analysis supports that this missense variant has a deleterious effect on protein structure/function; Has not been previously published as pathogenic or benign to our knowledge; Variants in candidate genes are classified as variants of uncertain significance in accordance with ACMG guidelines (Richards et al., 2015)

NM_004947.5(DOCK3):c.239C>T (p.Pro80Leu)

Gene: DOCK3 (dedicator of cytokinesis 3; plus strand). Cytogenetic location: 3p21.2.
Variant type: single nucleotide variant.
Coding change: c.239C>T on transcript NM_004947.5 (MANE Select); coding-DNA position 239, C replaced by T.
Protein change: p.Pro80Leu; replaces proline 80 with leucine.
Molecular consequence: missense variant.
Genome position (GRCh38, 1-based): chr3:50,934,001, C>T. VCF-style: chr3-50934001-C-T. GRCh37 (hg19) VCF-style: chr3-50971432-C-T.
Other names: short protein forms P80L.
Identifiers: ClinVar variation 4529698 (VCV004529698.1).